The following is an entry in ClinVar:

NM_000053.4(ATP7B):c.3392del (p.Gly1131fs)

Gene: ATP7B (ATPase copper transporting beta; minus strand). Cytogenetic location: 13q14.3.
Variant type: Deletion.
Coding change: c.3392del on transcript NM_000053.4 (MANE Select); coding-DNA position 3392, one base deleted (G; older notation c.3392delG).
Protein change: p.Gly1131fs; shifts the reading frame from glycine 1131.
Molecular consequence: frameshift variant.
Genome position (GRCh38, 1-based): chr13:51,942,406, C deleted on the plus strand (G on the coding strand, the reverse complement: ATP7B is on the minus strand); the first of 2 consecutive C bases (chr13:51,942,406-51,942,407); deleting either gives the same sequence. VCF-style (leftmost placement, unchanged base first): chr13-51942405-GC-G. GRCh37 (hg19) VCF-style: chr13-52516541-GC-G.
Other names: c.2549del, p.Gly850fs (NM_001406547.1); c.2102del, p.Gly701fs (NM_001406548.1); c.2771del, p.Gly924fs (NM_001005918.3); c.3059del, p.Gly1020fs (NM_001243182.2); c.3158del, p.Gly1053fs (NM_001330578.2, NM_001406527.1, NM_001406528.1 and 1 more transcripts); c.3140del, p.Gly1047fs (NM_001330579.2, NM_001406531.1, NM_001406532.1); c.3392del, p.Gly1131fs (NM_001406511.1, NM_001406512.1, NM_001406526.1); c.3386del, p.Gly1129fs (NM_001406513.1); and 19 more; short protein forms G1015fs, G1053fs, G1066fs, G1070fs, G1099fs, G1021fs, G1047fs, G1051fs.
Identifiers: ClinVar variation 3651360 (VCV003651360.2).

ClinVar aggregate classification (germline): Pathogenic (1 of 4 stars; one submission).

Conditions:
Wilson disease (WND). Also called: Wilson's disease. Identifiers: Orphanet 905, MedGen C0019202, MONDO:0010200, OMIM 277900. Disease mechanism: loss of function.

Submission:

Labcorp Genetics (formerly Invitae), Labcorp
Classification: Pathogenic for Wilson disease. Last evaluated: 2025-02-15. Review status: criteria provided, single submitter. Criteria: Invitae Variant Classification Sherloc (09022015). Collection method: clinical testing. Allele origin: germline.
Comment: This sequence change creates a premature translational stop signal (p.Gly1131Alafs*17) in the ATP7B gene. It is expected to result in an absent or disrupted protein product. Loss-of-function variants in ATP7B are known to be pathogenic (PMID: 10441329, 16283883). This variant is not present in population databases (gnomAD no frequency). This variant has not been reported in the literature in individuals affected with ATP7B-related conditions. For these reasons, this variant has been classified as Pathogenic.

Literature cited by the submitters: PubMed 10441329; PubMed 16283883.